The following is an entry in ClinVar:

NM_000135.4(FANCA):c.3482C>A (p.Thr1161Lys)

Gene: FANCA (FA complementation group A; minus strand). Cytogenetic location: 16q24.3.
Variant type: single nucleotide variant.
Coding change: c.3482C>A on transcript NM_000135.4 (MANE Select); coding-DNA position 3482, C replaced by A.
Protein change: p.Thr1161Lys; replaces threonine 1161 with lysine.
Molecular consequence: missense variant.
Genome position (GRCh38, 1-based): chr16:89,746,615, G>T on the plus strand (C>A on the coding strand, the complement: FANCA is on the minus strand). VCF-style: chr16-89746615-G-T. GRCh37 (hg19) VCF-style: chr16-89813023-G-T.
Other names: c.3482C>A, p.Thr1161Lys (NM_001286167.3); short protein forms T1161K.
Identifiers: ClinVar variation 1039608 (VCV001039608.8), dbSNP rs142833057, ClinGen allele CA8251138.

ClinVar aggregate classification (germline): Uncertain significance. Review status: criteria provided, multiple submitters, no conflicts (2 of 4 stars). 4 submissions from 4 submitters: Uncertain significance (3). 1 of the submissions does not count toward it. Last evaluated 2024-05-29.

Conditions:
Fanconi anemia (FA). Also called: Fanconi's anemia. Identifiers: Orphanet 84, MedGen C0015625, MeSH D005199, MONDO:0019391.
Fanconi anemia complementation group A (FANCA). Also called: Fanconi anemia, group A; FANCA-Related Fanconi Anemia. Identifiers: Orphanet 84, MedGen C3469521, MONDO:0009215, OMIM 227650.

Allele frequency attached by ClinVar (database versions not stated): 1000 Genomes Project 30x 0.00031; 1000 Genomes Project 0.00040.
gnomAD v4.1: 8 of 1,614,166 alleles (0.0005%); highest among the groups gnomAD compares: East Asian, 0.018%; no homozygotes.

Submissions (4):

Fulgent Genetics
Classification: Uncertain significance for Fanconi anemia complementation group A. Last evaluated: 2024-05-29. Review status: criteria provided, single submitter. Criteria: ACMG Guidelines, 2015. Collection method: clinical testing. Allele origin: germline.

Labcorp Genetics (formerly Invitae), Labcorp
Classification: Uncertain significance for Fanconi anemia. Last evaluated: 2022-08-07. Review status: criteria provided, single submitter. Criteria: Invitae Variant Classification Sherloc (09022015). Collection method: clinical testing. Allele origin: germline.
Comment: This sequence change replaces threonine, which is neutral and polar, with lysine, which is basic and polar, at codon 1161 of the FANCA protein (p.Thr1161Lys). This variant is present in population databases (rs142833057, gnomAD 0.03%). This variant has not been reported in the literature in individuals affected with FANCA-related conditions. ClinVar contains an entry for this variant (Variation ID: 1039608). Algorithms developed to predict the effect of missense changes on protein structure and function are either unavailable or do not agree on the potential impact of this missense change (SIFT: "Deleterious"; PolyPhen-2: "Benign"; Align-GVGD: "Class C0"). In summary, the available evidence is currently insufficient to determine the role of this variant in disease. Therefore, it has been classified as a Variant of Uncertain Significance.

Juno Genomics, Hangzhou Juno Genomics, Inc
Classification: Uncertain significance for Fanconi anemia complementation group A. Review status: criteria provided, single submitter. Criteria: ACMG Guidelines, 2015. Collection method: clinical testing. Allele origin: germline. Affected: yes.
Comment: Absent from controls (or at extremely low frequency if recessive) in Genome Aggregation Database, Exome Sequencing Project, 1000 Genomes Project, or Exome Aggregation Consortium.

Natera, Inc.
Classification: Uncertain significance for Fanconi anemia. Last evaluated: 2020-01-11. Review status: no assertion criteria provided. Collection method: clinical testing. Allele origin: germline. Not counted in ClinVar's aggregate classification.